The following is an entry in ClinVar:

NM_003366.4(UQCRC2):c.902G>A (p.Arg301Lys)

Genes: PDZD9 (PDZ domain containing 9), UQCRC2 (ubiquinol-cytochrome c reductase core protein 2). Cytogenetic location: 16p12.2.
Variant type: single nucleotide variant.
Coding change: c.902G>A on transcript NM_003366.4 (MANE Select); coding-DNA position 902, G replaced by A.
Protein change: p.Arg301Lys; replaces arginine 301 with lysine.
Molecular consequence: missense variant.
Genome position (GRCh38, 1-based): chr16:21,972,058, G>A. VCF-style: chr16-21972058-G-A. GRCh37 (hg19) VCF-style: chr16-21983379-G-A.
Other names: short protein forms R301K.
Identifiers: ClinVar variation 1983605 (VCV001983605.4), dbSNP rs752198378, ClinGen allele CA7953886.

ClinVar aggregate classification (germline): Uncertain significance (1 of 4 stars; one submission).

Allele frequency attached by ClinVar (database versions not stated): gnomAD exomes 0.00005; TOPMed 0.00006; ExAC 0.00007; gnomAD 0.00007.
gnomAD v4.1: 80 of 1,614,026 alleles (0.005%); highest among the groups gnomAD compares: Admixed American, 0.012%; no homozygotes.

Submission:

Labcorp Genetics (formerly Invitae), Labcorp
Classification: Uncertain significance. Last evaluated: 2021-12-13. Review status: criteria provided, single submitter. Criteria: Invitae Variant Classification Sherloc (09022015). Collection method: clinical testing. Allele origin: germline.
Comment: This variant has not been reported in the literature in individuals affected with UQCRC2-related conditions. This variant is present in population databases (rs752198378, gnomAD 0.01%). This sequence change replaces arginine, which is basic and polar, with lysine, which is basic and polar, at codon 301 of the UQCRC2 protein (p.Arg301Lys). Algorithms developed to predict the effect of missense changes on protein structure and function (SIFT, PolyPhen-2, Align-GVGD) all suggest that this variant is likely to be tolerated. In summary, the available evidence is currently insufficient to determine the role of this variant in disease. Therefore, it has been classified as a Variant of Uncertain Significance.